The following is an entry in ClinVar:

NM_020812.4(DOCK6):c.4193T>A (p.Ile1398Asn)

Genes: DOCK6 (dedicator of cytokinesis 6; minus strand), DOCK6-AS1 (DOCK6 antisense RNA 1; plus strand). Cytogenetic location: 19p13.2.
Variant type: single nucleotide variant.
Coding change: c.4193T>A on transcript NM_020812.4 (MANE Select); coding-DNA position 4193, T replaced by A.
Protein change: p.Ile1398Asn; replaces isoleucine 1398 with asparagine.
Molecular consequence: missense variant.
Genome position (GRCh38, 1-based): chr19:11,214,563, A>T on the plus strand (T>A on the coding strand, the complement: DOCK6 is on the minus strand). VCF-style: chr19-11214563-A-T. GRCh37 (hg19) VCF-style: chr19-11325239-A-T.
Other names: c.4298T>A, p.Ile1433Asn (NM_001367830.1); short protein forms I1398N, I1433N.
Identifiers: ClinVar variation 1516276 (VCV001516276.6), dbSNP rs2147756486, ClinGen allele CA404083966.

ClinVar aggregate classification (germline): Uncertain significance (1 of 4 stars; one submission).

gnomAD v4.1: 11 of 1,613,796 alleles (0.00068%); highest among the groups gnomAD compares: Non-Finnish European, 0.00085%; no homozygotes.

Submission:

Labcorp Genetics (formerly Invitae), Labcorp
Classification: Uncertain significance. Last evaluated: 2021-08-19. Review status: criteria provided, single submitter. Criteria: Invitae Variant Classification Sherloc (09022015). Collection method: clinical testing. Allele origin: germline.
Comment: In summary, the available evidence is currently insufficient to determine the role of this variant in disease. Therefore, it has been classified as a Variant of Uncertain Significance. Algorithms developed to predict the effect of missense changes on protein structure and function (SIFT, PolyPhen-2, Align-GVGD) all suggest that this variant is likely to be tolerated. This variant has not been reported in the literature in individuals affected with DOCK6-related conditions. This variant is not present in population databases (ExAC no frequency). This sequence change replaces isoleucine with asparagine at codon 1398 of the DOCK6 protein (p.Ile1398Asn). The isoleucine residue is moderately conserved and there is a large physicochemical difference between isoleucine and asparagine.